The following is an entry in ClinVar:

ClinVar aggregate classification (germline): Benign/Likely benign. Review status: criteria provided, multiple submitters, no conflicts (2 of 4 stars). 4 submissions from 4 submitters: Benign (1); Likely benign (3). Last evaluated 2025-04-28.

Conditions:
Hereditary nonpolyposis colorectal neoplasms. Identifiers: MedGen C0009405, MeSH D003123.
Hereditary cancer-predisposing syndrome. Also called: Neoplastic Syndromes, Hereditary; Hereditary neoplastic syndrome; Tumor predisposition; Hereditary Cancer Syndrome. Identifiers: Orphanet 140162, MedGen C0027672, MeSH D009386, MONDO:0015356.
Lynch syndrome 5 (LYNCH5). Also called: Colorectal cancer, hereditary nonpolyposis, type 5; Hereditary non-polyposis colorectal cancer, type 5. Identifiers: Orphanet 144, MedGen C1833477, MONDO:0013710, OMIM 614350. Disease mechanism: loss of function.

Allele frequency attached by ClinVar (database versions not stated): TOPMed below 0.00001.

Submissions (4):

Color Diagnostics, LLC DBA Color Health
Classification: Likely benign for Hereditary cancer-predisposing syndrome. Last evaluated: 2025-04-28. Review status: criteria provided, single submitter. Criteria: ACMG Guidelines, 2015. Collection method: clinical testing. Allele origin: germline.

Myriad Genetics, Inc.
Classification: Benign for Lynch syndrome 5. Last evaluated: 2025-01-02. Review status: criteria provided, single submitter. Criteria: Myriad Autosomal Dominant, Autosomal Recessive and X-Linked Classification Criteria (2023). Collection method: clinical testing. Allele origin: unknown.
Comment: This variant is considered benign. This variant is a silent/synonymous amino acid change and it is not expected to impact splicing.

Ambry Genetics
Classification: Likely benign for Hereditary cancer-predisposing syndrome. Last evaluated: 2024-06-13. Review status: criteria provided, single submitter. Criteria: Ambry Variant Classification Scheme 2023. Collection method: clinical testing. Allele origin: germline.

Labcorp Genetics (formerly Invitae), Labcorp
Classification: Likely benign for Hereditary nonpolyposis colorectal neoplasms. Last evaluated: 2024-04-17. Review status: criteria provided, single submitter. Criteria: Invitae Variant Classification Sherloc (09022015). Collection method: clinical testing. Allele origin: germline.

NM_000179.3(MSH6):c.2955C>T (p.Phe985=)

Gene: MSH6 (mutS homolog 6; plus strand). Cytogenetic location: 2p16.3.
Variant type: single nucleotide variant.
Coding change: c.2955C>T on transcript NM_000179.3 (MANE Select); coding-DNA position 2955, C replaced by T.
Protein change: p.Phe985=; no amino-acid change (phenylalanine 985 retained).
Molecular consequence: synonymous variant.
Genome position (GRCh38, 1-based): chr2:47,800,938, C>T. VCF-style: chr2-47800938-C-T. GRCh37 (hg19) VCF-style: chr2-48028077-C-T.
Other names: c.2565C>T, p.Phe855= (NM_001281492.2); c.2049C>T, p.Phe683= (NM_001281493.2, NM_001281494.2).
Identifiers: ClinVar variation 796976 (VCV000796976.13), dbSNP rs63750942, ClinGen allele CA426122083.